The following is an entry in ClinVar:

NM_005188.4(CBL):c.1454T>G (p.Phe485Cys)

Gene: CBL (Cbl proto-oncogene; plus strand). Cytogenetic location: 11q23.3.
Variant type: single nucleotide variant.
Coding change: c.1454T>G on transcript NM_005188.4 (MANE Select); coding-DNA position 1454, T replaced by G.
Protein change: p.Phe485Cys; replaces phenylalanine 485 with cysteine.
Molecular consequence: missense variant.
Genome position (GRCh38, 1-based): chr11:119,284,991, T>G. VCF-style: chr11-119284991-T-G. GRCh37 (hg19) VCF-style: chr11-119155701-T-G.
Other names: short protein forms F485C.
Identifiers: ClinVar variation 4868275 (VCV004868275.1).

ClinVar aggregate classification (germline): Uncertain significance (1 of 4 stars; one submission).

Conditions:
Cardiovascular phenotype. Identifiers: MedGen CN230736.

Submission:

Ambry Genetics
Classification: Uncertain significance for Cardiovascular phenotype. Last evaluated: 2026-05-30. Review status: criteria provided, single submitter. Criteria: Ambry Variant Classification Scheme 2023. Collection method: clinical testing. Allele origin: germline.
Comment: The p.F485C variant (also known as c.1454T>G), located in coding exon 10 of the CBL gene, results from a T to G substitution at nucleotide position 1454. The phenylalanine at codon 485 is replaced by cysteine, an amino acid with highly dissimilar properties. This amino acid position is conserved. In addition, the in silico prediction for this alteration is inconclusive. Based on the available evidence, the clinical significance of this variant remains unclear.